The following is an entry in ClinVar:

ClinVar aggregate classification (germline): Benign/Likely benign. Review status: criteria provided, multiple submitters, no conflicts (2 of 4 stars). 2 submissions from 2 submitters: Benign (1); Likely benign (1). Last evaluated 2025-02-16.

Conditions:
Leigh syndrome (NULS). Also called: Leigh's necrotizing encephalopathy; Leigh's disease; Leigh Syndrome (mtDNA deletion); Leigh Disease; Subacute necrotizing encephalopathy; Necrotizing encephalopathy infantile subacute of Leigh. Identifiers: Orphanet 506, MedGen C2931891, MONDO:0009723, OMIM 256000.

Submissions (2):

Laboratory of Genetics, Children's Clinical University Hospital Latvia
Classification: Likely benign. Last evaluated: 2025-02-16. Review status: criteria provided, single submitter. Criteria: ACMG Guidelines, 2015. Collection method: clinical testing. Allele origin: germline. Affected: yes.

Wong Mito Lab, Molecular and Human Genetics, Baylor College of Medicine
Classification: Benign for Leigh syndrome. Last evaluated: 2019-10-17. Review status: criteria provided, single submitter. Criteria: Modified ACMG Guidelines (Unpublished). Collection method: clinical testing. Allele origin: germline.
Comment: The NC_012920.1:m.4959G>A (YP_003024027.1:p.Ala164Thr) variant in MTND2 gene is interpretated to be a Benign variant based on the modified ACMG guidelines (unpublished). This variant meets the following evidence codes: BS1, BS4. BP4

NC_012920.1(MT-ND2):m.4959G>A

Gene: MT-ND2 (mitochondrially encoded NADH dehydrogenase 2; plus strand).
Variant type: single nucleotide variant.
Genome position: chrM-4959-G-A.
Identifiers: ClinVar variation 692529 (VCV000692529.2), dbSNP rs1603219694, ClinGen allele CA414778256.